The following is an entry in ClinVar:

NM_004304.5(ALK):c.4319C>T (p.Ala1440Val)

Gene: ALK (ALK receptor tyrosine kinase; minus strand). Cytogenetic location: 2p23.2.
Variant type: single nucleotide variant.
Coding change: c.4319C>T on transcript NM_004304.5 (MANE Select); coding-DNA position 4319, C replaced by T.
Protein change: p.Ala1440Val; replaces alanine 1440 with valine.
Molecular consequence: missense variant.
Genome position (GRCh38, 1-based): chr2:29,193,768, G>A on the plus strand (C>T on the coding strand, the complement: ALK is on the minus strand). VCF-style: chr2-29193768-G-A. GRCh37 (hg19) VCF-style: chr2-29416634-G-A.
Other names: c.1115C>T, p.Ala372Val (NM_001353765.2); short protein forms A1440V, A372V.
Identifiers: ClinVar variation 1356078 (VCV001356078.8), dbSNP rs2148138722, ClinGen allele CA346462646.

ClinVar aggregate classification (germline): Uncertain significance (1 of 4 stars; one submission).

Conditions:
Neuroblastoma, susceptibility to, 3. Also called: ALK-Related Neuroblastic Tumor Susceptibility. Identifiers: Orphanet 635, MedGen C2751681, MONDO:0013083, OMIM 613014.

Submission:

Labcorp Genetics (formerly Invitae), Labcorp
Classification: Uncertain significance for Neuroblastoma, susceptibility to, 3. Last evaluated: 2021-05-25. Review status: criteria provided, single submitter. Criteria: Invitae Variant Classification Sherloc (09022015). Collection method: clinical testing. Allele origin: germline.
Comment: This sequence change replaces alanine with valine at codon 1440 of the ALK protein (p.Ala1440Val). The alanine residue is moderately conserved and there is a small physicochemical difference between alanine and valine. This variant is not present in population databases (ExAC no frequency). This variant has not been reported in the literature in individuals with ALK-related conditions. Algorithms developed to predict the effect of missense changes on protein structure and function output the following: SIFT: "Tolerated"; PolyPhen-2: "Benign"; Align-GVGD: "Class C0". The valine amino acid residue is found in multiple mammalian species, suggesting that this missense change does not adversely affect protein function. These predictions have not been confirmed by published functional studies and their clinical significance is uncertain. In summary, the available evidence is currently insufficient to determine the role of this variant in disease. Therefore, it has been classified as a Variant of Uncertain Significance.